The following is an entry in ClinVar:

NM_000551.4(VHL):c.223A>G (p.Ile75Val)

Gene: VHL (von Hippel-Lindau tumor suppressor; plus strand). Cytogenetic location: 3p25.3.
Variant type: single nucleotide variant.
Coding change: c.223A>G on transcript NM_000551.4 (MANE Select); coding-DNA position 223, A replaced by G.
Protein change: p.Ile75Val; replaces isoleucine 75 with valine.
Molecular consequence: missense variant.
Genome position (GRCh38, 1-based): chr3:10,142,070, A>G. VCF-style: chr3-10142070-A-G. GRCh37 (hg19) VCF-style: chr3-10183754-A-G.
Other names: c.223A>G, p.Ile75Val (NM_001354723.2, NM_198156.3); short protein forms I75V.
Identifiers: ClinVar variation 572530 (VCV000572530.14), dbSNP rs1060503554, ClinGen allele CA351749194.

ClinVar aggregate classification (germline): Uncertain significance. Review status: criteria provided, multiple submitters, no conflicts (2 of 4 stars). 2 submissions from 2 submitters: Uncertain significance (2). Last evaluated 2026-05-18.

Conditions:
Chuvash polycythemia. Also called: POLYCYTHEMIA, VHL-DEPENDENT. Identifiers: Orphanet 238557, MedGen C1837915, MONDO:0009892, OMIM 263400.
Von Hippel-Lindau syndrome (VHLS). Also called: Von Hippel-Lindau; VHL syndrome; von Hippel–Lindau syndrome. Identifiers: Orphanet 892, MedGen C0019562, MONDO:0008667, OMIM 193300. Disease mechanism: loss of function.
Hereditary cancer-predisposing syndrome. Also called: Tumor predisposition; Hereditary Cancer Syndrome; Neoplastic Syndromes, Hereditary; Hereditary neoplastic syndrome. Identifiers: Orphanet 140162, MedGen C0027672, MeSH D009386, MONDO:0015356.

Submissions (2):

Ambry Genetics
Classification: Uncertain significance for Hereditary cancer-predisposing syndrome. Last evaluated: 2026-05-18. Review status: criteria provided, single submitter. Criteria: Ambry Variant Classification Scheme 2023. Collection method: clinical testing. Allele origin: germline.
Comment: The p.I75V variant (also known as c.223A>G), located in coding exon 1 of the VHL gene, results from an A to G substitution at nucleotide position 223. The isoleucine at codon 75 is replaced by valine, an amino acid with highly similar properties. This variant was determined to be functionally neutral in one saturation genome editing assay (Buckley M et al. Nat Genet, 2024 Jul;56:1446-1455). However, this variant was seen in a pediatric patient with von Hippel-Lindau syndrome who presented with a cerebellar hemangioblastoma (Chen JY et al. Taiwan J Ophthalmol, 2025 Mar;15:138-142). This amino acid position is well conserved in available vertebrate species. In addition, the in silico prediction for this alteration is inconclusive. Based on the available evidence, the clinical significance of this variant remains unclear.

Labcorp Genetics (formerly Invitae), Labcorp
Classification: Uncertain significance for Von Hippel-Lindau syndrome; Chuvash polycythemia. Last evaluated: 2018-06-24. Review status: criteria provided, single submitter. Criteria: Invitae Variant Classification Sherloc (09022015). Collection method: clinical testing. Allele origin: germline.
Comment: Algorithms developed to predict the effect of missense changes on protein structure and function (SIFT, PolyPhen-2, Align-GVGD) all suggest that this variant is likely to be tolerated, but these predictions have not been confirmed by published functional studies and their clinical significance is uncertain. This sequence change replaces isoleucine with valine at codon 75 of the VHL protein (p.Ile75Val). The isoleucine residue is moderately conserved and there is a small physicochemical difference between isoleucine and valine. This variant is not present in population databases (ExAC no frequency). This variant has not been reported in the literature in individuals with VHL-related disease. In summary, the available evidence is currently insufficient to determine the role of this variant in disease. Therefore, it has been classified as a Variant of Uncertain Significance.

Literature cited by the submitters: PubMed 38969834 (cited by Ambry Genetics); PubMed 40213307 (cited by Ambry Genetics).